The following is an entry in ClinVar:

NM_015978.3(TNNI3K):c.1027+1G>C

Genes: FPGT-TNNI3K (FPGT-TNNI3K readthrough; plus strand), TNNI3K (TNNI3 interacting kinase; plus strand). Cytogenetic location: 1p31.1.
Variant type: single nucleotide variant.
Coding change: c.1027+1G>C on transcript NM_015978.3 (MANE Select); the canonical splice donor site of the intron after coding-DNA position 1027, G replaced by C.
Molecular consequence: splice donor variant.
Genome position (GRCh38, 1-based): chr1:74,353,361, G>C. VCF-style: chr1-74353361-G-C. GRCh37 (hg19) VCF-style: chr1-74819045-G-C.
Other names: c.1330+1G>C (NM_001112808.3, NM_001199327.2).
Identifiers: ClinVar variation 2991792 (VCV002991792.3), dbSNP rs1352657378, ClinGen allele CA340783913.
Genomic context (GRCh38, chr1:74,353,361, plus strand): 5'-AATTTCTTCTTGATCAGAATGTCATAAACATCAACCACCAAGGAAGGGATGGGCACACTG[G>C]TAAGACTGTGGTGAAAACACCACTAGTTCTATATGCTTATCAATGATTAAGAATAATGGT-3'

ClinVar aggregate classification (germline): Uncertain significance (1 of 4 stars; one submission).

Allele frequency attached by ClinVar (database versions not stated): TOPMed 0.00002; gnomAD 0.00001.
gnomAD v4.1: 6 of 1,613,070 alleles (0.00037%); highest among the groups gnomAD compares: African/African-American, 0.0053%; no homozygotes.

Submission:

Labcorp Genetics (formerly Invitae), Labcorp
Classification: Uncertain significance. Last evaluated: 2025-02-07. Review status: criteria provided, single submitter. Criteria: Invitae Variant Classification Sherloc (09022015). Collection method: clinical testing. Allele origin: germline.
Comment: This sequence change affects a donor splice site in intron 10 of the TNNI3K gene. It is expected to disrupt RNA splicing. Variants that disrupt the donor or acceptor splice site typically lead to a loss of protein function (PMID: 16199547), however the current clinical and genetic evidence is not sufficient to establish whether loss-of-function variants in TNNI3K cause disease. This variant is present in population databases (no rsID available, gnomAD 0.008%). This variant has not been reported in the literature in individuals affected with TNNI3K-related conditions. ClinVar contains an entry for this variant (Variation ID: 2991792). Algorithms developed to predict the effect of sequence changes on RNA splicing suggest that this variant may disrupt the consensus splice site. In summary, the available evidence is currently insufficient to determine the role of this variant in disease. Therefore, it has been classified as a Variant of Uncertain Significance.

Literature cited by the submitters: PubMed 16199547.